The following is an entry in ClinVar:

NM_206933.4(USH2A):c.11549-4_11549del

Gene: USH2A (usherin; minus strand). Cytogenetic location: 1q41.
Variant type: Deletion.
Coding change: c.11549-4_11549del on transcript NM_206933.4 (MANE Select); 4 bases into the intron before coding-DNA position 11549 through coding-DNA position 11549, 5 bases deleted (CAAGG; older notation c.11549-4_11549delCAAGG).
Molecular consequence: splice acceptor variant.
Genome position (GRCh38, 1-based): chr1:215,741,537-215,741,541, CCTTG deleted on the plus strand (CAAGG on the coding strand, the reverse complement: USH2A is on the minus strand). VCF-style (leftmost placement, unchanged base first): chr1-215741536-TCCTTG-T. GRCh37 (hg19) VCF-style: chr1-215914878-TCCTTG-T.
Identifiers: ClinVar variation 1378684 (VCV001378684.3), dbSNP rs2102725799, ClinGen allele CA1012190032.

ClinVar aggregate classification (germline): Likely pathogenic (1 of 4 stars; one submission).

Allele frequency attached by ClinVar (database versions not stated): gnomAD exomes below 0.00001.

Submission:

Labcorp Genetics (formerly Invitae), Labcorp
Classification: Likely pathogenic. Last evaluated: 2021-07-05. Review status: criteria provided, single submitter. Criteria: Invitae Variant Classification Sherloc (09022015). Collection method: clinical testing. Allele origin: germline.
Comment: In summary, the currently available evidence indicates that the variant is pathogenic, but additional data are needed to prove that conclusively. Therefore, this variant has been classified as Likely Pathogenic. Algorithms developed to predict the effect of sequence changes on RNA splicing suggest that this variant may disrupt the consensus splice site. This variant has not been reported in the literature in individuals affected with USH2A-related conditions. This variant is not present in population databases (ExAC no frequency). This sequence change affects a splice site in intron 59 of the USH2A gene. It is expected to disrupt RNA splicing. Variants that disrupt the donor or acceptor splice site typically lead to a loss of protein function (PMID: 16199547), and loss-of-function variants in USH2A are known to be pathogenic (PMID: 10729113, 10909849, 20507924, 25649381).

Literature cited by the submitters: PubMed 16199547; PubMed 10729113; PubMed 10909849; PubMed 20507924; PubMed 25649381.